The following is an entry in ClinVar:

ClinVar aggregate classification (germline): Pathogenic. Review status: reviewed by expert panel (3 of 4 stars). 6 submissions from 6 submitters: Pathogenic (1). 5 of the submissions do not count toward it. Last evaluated 2025-04-11.

Conditions:
Neuromuscular disease caused by qualitative or quantitative defects of dysferlin. Also called: Dysferlinopathy; Qualitative or quantitative defects of dysferlin. Identifiers: Orphanet 207073, MedGen C2931687, MONDO:0016145.
Miyoshi muscular dystrophy 1 (MMD1). Identifiers: Orphanet 45448, MedGen C4551973, MONDO:0024545, OMIM 254130.
Autosomal recessive limb-girdle muscular dystrophy. Identifiers: Orphanet 102015, MedGen C2931907, MONDO:0015152.

Submissions (6):

ClinGen Limb Girdle Muscular Dystrophy Variant Curation Expert Panel, ClinGen
Classification: Pathogenic for Autosomal recessive limb-girdle muscular dystrophy. Last evaluated: 2025-04-11. Review status: reviewed by expert panel. Criteria: ClinGen LGMD VCEP ACMG Specifications DYSF V1.0.0. Collection method: curation. Allele origin: germline. Inheritance: Autosomal recessive inheritance.
Comment: The NM_003494.4: c.3805dup p.(Glu1269GlyfsTer7) variant in DYSF, which is also known as NM_001130987.2: c.3859dup p.(Glu1287GlyfsTer7), is a frameshift variant predicted to cause a premature stop codon in biologically relevant exon 34/55, leading to nonsense mediated decay in a gene in which loss of function is an established disease mechanism (PVS1). This variant has been detected in at least two individuals with features of LGMD, including in unknown phase with a pathogenic variant (NM_003494.4: c.5698_5699del p.(Ser1900GlnfsTer14), 0.5 pts, PMID: 27602406; 36983702; PM3_Supporting). At least one patient with this variant and a second presumed diagnostic variant in DYSF displayed a clinical suspicion of LGMD or progressive limb girdle muscle weakness and severely reduced or absent dysferlin protein expression, which is highly specific for DYSF-associated LGMD (PP4_Strong, PMID: 27602406; 36983702). The filtering allele frequency of this variant is 0.000020771 in gnomAD v4.1.0 exomes (the upper threshold of the 95% CI of 15/1112008 European (non-Finnish) chromosomes), which is less than the ClinGen LGMD VCEP threshold (≤0.0001) (PM2_Supporting). In summary, this variant meets the criteria to be classified as Pathogenic for autosomal recessive limb girdle muscular dystrophy based on the ACMG/AMP criteria applied, as specified by the ClinGen LGMD VCEP (LGMD VCEP specifications version 1.0.0; 04/11/2025): PVS1, PM3_Supporting, PP4_Strong, PM2_Supporting.

GeneDx
Classification: Pathogenic. Last evaluated: 2026-04-17. Review status: criteria provided, single submitter. Criteria: GeneDx Variant Classification Process June 2021. Collection method: clinical testing. Allele origin: germline. Not counted in ClinVar's aggregate classification.
Comment: Identified in a patient with a clinical suspicion of a limb girdle muscular dystrophy (PMID: 36983702); Identified with a pathogenic variant (phase unknown) in a patient with distal myopathy (PMID: 29997562); Not observed at significant frequency in large population cohorts (gnomAD); Frameshift variant predicted to result in protein truncation or nonsense mediated decay in a gene for which loss of function is a known mechanism of disease; This variant is associated with the following publications: (PMID: 36983702, 27602406, 29997562, 33610434)

Labcorp Genetics (formerly Invitae), Labcorp
Classification: Pathogenic for Neuromuscular disease caused by qualitative or quantitative defects of dysferlin. Last evaluated: 2025-12-16. Review status: criteria provided, single submitter. Criteria: Invitae Variant Classification Sherloc (09022015). Collection method: clinical testing. Allele origin: germline. Not counted in ClinVar's aggregate classification.
Comment: This sequence change creates a premature translational stop signal (p.Glu1269Glyfs*7) in the DYSF gene. It is expected to result in an absent or disrupted protein product. Loss-of-function variants in DYSF are known to be pathogenic (PMID: 17698709, 20301480). This variant is present in population databases (rs779407815, gnomAD 0.007%). This premature translational stop signal has been observed in individual(s) with distal myopathy (PMID: 29997562). ClinVar contains an entry for this variant (Variation ID: 646166). For these reasons, this variant has been classified as Pathogenic.

Revvity Omics, Revvity
Classification: Pathogenic. Last evaluated: 2024-02-12. Review status: criteria provided, single submitter. Criteria: ACMG Guidelines, 2015. Collection method: clinical testing. Allele origin: germline. Not counted in ClinVar's aggregate classification.

Baylor Genetics
Classification: Pathogenic for Miyoshi muscular dystrophy 1. Last evaluated: 2023-05-09. Review status: criteria provided, single submitter. Criteria: ACMG Guidelines, 2015. Collection method: clinical testing. Allele origin: unknown. Not counted in ClinVar's aggregate classification.

Athena Diagnostics
Classification: Likely pathogenic. Last evaluated: 2019-09-24. Review status: criteria provided, single submitter. Criteria: Athena Diagnostics Criteria. Collection method: clinical testing. Allele origin: unknown. Not counted in ClinVar's aggregate classification.
Comment: The variant results in a shift of the reading frame, and is therefore predicted to result in the loss of a functional protein. The frequency of this variant in the general population is consistent with pathogenicity.

Literature cited by the submitters: PubMed 17698709 (cited by Labcorp Genetics (formerly Invitae), Labcorp); PubMed 20301480 (cited by Labcorp Genetics (formerly Invitae), Labcorp); PubMed 29997562 (cited by Labcorp Genetics (formerly Invitae), Labcorp).

NM_001130987.2(DYSF):c.3859dup (p.Glu1287fs)

Gene: DYSF (dysferlin; plus strand). Cytogenetic location: 2p13.2.
Variant type: Duplication.
Coding change: c.3859dup on transcript NM_001130987.2 (MANE Select); coding-DNA position 3859, one base duplicated (G; older notation c.3859dupG).
Protein change: p.Glu1287fs; shifts the reading frame from glutamic acid 1287.
Molecular consequence: frameshift variant.
Genome position (GRCh38, 1-based): chr2:71,600,804, G duplicated; the last of 5 consecutive G bases (chr2:71,600,800-71,600,804); duplicating any one gives the same sequence. VCF-style (leftmost placement, unchanged base first): chr2-71600799-C-CG. GRCh37 (hg19) VCF-style: chr2-71827929-C-CG.
Other names: NM_001130987.2(DYSF):c.3859dup; p.Glu1287fs; c.3805dupG (NM_003494.3); c.3808dup, p.Glu1270fs (NM_001130455.2, NM_001130983.2); c.3763dup, p.Glu1255fs (NM_001130976.2, NM_001130977.2); c.3805dup, p.Glu1269fs (NM_001130978.2, NM_003494.4); c.3898dup, p.Glu1300fs (NM_001130979.2); c.3856dup, p.Glu1286fs (NM_001130980.2, NM_001130981.2); and 3 more; short protein forms E1270fs, E1269fs, E1301fs, E1255fs, E1256fs, E1286fs, E1287fs, E1300fs.
Identifiers: ClinVar variation 646166 (VCV000646166.18), dbSNP rs779407815, ClinGen allele CA1706729.